The following is an entry in ClinVar:

ClinVar aggregate classification (germline): Likely benign. Review status: criteria provided, multiple submitters, no conflicts (2 of 4 stars). 6 submissions from 6 submitters: Likely benign (6). Last evaluated 2026-01-11.

Conditions:
ALG3-congenital disorder of glycosylation. Also called: ALG3-CDG; CONGENITAL DISORDER OF GLYCOSYLATION, TYPE Id; CDG Id; CARBOHYDRATE-DEFICIENT GLYCOPROTEIN SYNDROME, TYPE IV; CDGS, TYPE IV. Identifiers: Orphanet 79321, MedGen C1832736, MONDO:0010998, OMIM 601110.

Allele frequency attached by ClinVar (database versions not stated): gnomAD exomes 0.00013 and 0.00016; ESP Exome Variant Server 0.00016; ExAC 0.00034; gnomAD 0.00034 and 0.00040; TOPMed 0.00037; 1000 Genomes Project 30x 0.00172; 1000 Genomes Project 0.00180.

Submissions (6):

Labcorp Genetics (formerly Invitae), Labcorp
Classification: Likely benign for ALG3-congenital disorder of glycosylation. Last evaluated: 2026-01-11. Review status: criteria provided, single submitter. Criteria: Invitae Variant Classification Sherloc (09022015). Collection method: clinical testing. Allele origin: germline.

Blueprint Genetics
Classification: Likely benign. Last evaluated: 2024-11-25. Review status: criteria provided, single submitter. Criteria: ACMG Guidelines, 2015. Collection method: clinical testing. Allele origin: germline.

CeGaT Center for Human Genetics Tuebingen
Classification: Likely benign. Last evaluated: 2024-06-01. Review status: criteria provided, single submitter. Criteria: CeGaT Center For Human Genetics Tuebingen Variant Classification Criteria Version 2. Collection method: clinical testing. Allele origin: germline. Affected: yes. Observed: 1 variant allele.
Comment: ALG3: BP4, BP7

Illumina Laboratory Services, Illumina
Classification: Likely benign for ALG3-congenital disorder of glycosylation. Last evaluated: 2017-04-27. Review status: criteria provided, single submitter. Criteria: ICSL Variant Classification Criteria 13 December 2019. Collection method: clinical testing. Allele origin: germline.
Comment: This variant was observed as part of a predisposition screen in an ostensibly healthy population. A literature search was performed for the gene, cDNA change, and amino acid change (where applicable). Publications were found based on this search. The evidence from the literature, in combination with allele frequency data from public databases where available, was sufficient to determine this variant is unlikely to cause disease. Therefore, this variant is classified as likely benign.

GeneDx
Classification: Likely benign. Last evaluated: 2016-01-08. Review status: criteria provided, single submitter. Criteria: GeneDx Variant Classification (06012015). Collection method: clinical testing. Allele origin: germline. Affected: yes.
Comment: This variant is considered likely benign or benign based on one or more of the following criteria: it is a conservative change, it occurs at a poorly conserved position in the protein, it is predicted to be benign by multiple in silico algorithms, and/or has population frequency not consistent with disease.

Breakthrough Genomics
Classification: Likely benign. Review status: criteria provided, single submitter. Criteria: ACMG Guidelines, 2015. Collection method: not provided. Allele origin: germline. Inheritance: Autosomal recessive inheritance. Affected: yes.

Literature cited by the submitters: PubMed 23806237 (cited by Illumina Laboratory Services, Illumina).

NM_005787.6(ALG3):c.669C>T (p.Leu223=)

Gene: ALG3 (ALG3 alpha-1,3- mannosyltransferase; minus strand). Cytogenetic location: 3q27.1.
Variant type: single nucleotide variant.
Coding change: c.669C>T on transcript NM_005787.6 (MANE Select); coding-DNA position 669, C replaced by T.
Protein change: p.Leu223=; no amino-acid change (leucine 223 retained).
Molecular consequence: synonymous variant. On other transcripts: non-coding transcript variant (2).
Genome position (GRCh38, 1-based): chr3:184,244,658, G>A on the plus strand (C>T on the coding strand, the complement: ALG3 is on the minus strand). VCF-style: chr3-184244658-G-A. GRCh37 (hg19) VCF-style: chr3-183962446-G-A.
Other names: c.525C>T, p.Leu175= (NM_001006941.2).
Identifiers: ClinVar variation 382025 (VCV000382025.35), dbSNP rs146607327, ClinGen allele CA2729457.
Genomic context (GRCh38, chr3:184,244,658, plus strand): 5'-TACCTGAAGGCCAGCACAGATTCCCAGCTTGGGGAGGGCCCCACGGAAGCCAAACTGTGT[G>A]AGGAGAAGAAACAGTAACCCAGGGGCGAAGAGCAGCACATTCATCTTCACAGAGACTGCC-3'
Protein context (NP_005778.1, residues 213-233): LFAPGLLFLL[Leu223=]TQFGFRGALP